The following is an entry in ClinVar:

NM_017613.4(DONSON):c.1452G>A (p.Leu484=)

Gene: DONSON (DNA replication fork stabilization factor DONSON; minus strand). Cytogenetic location: 21q22.11.
Variant type: single nucleotide variant.
Coding change: c.1452G>A on transcript NM_017613.4 (MANE Select); coding-DNA position 1452, G replaced by A.
Protein change: p.Leu484=; no amino-acid change (leucine 484 retained).
Molecular consequence: synonymous variant.
Genome position (GRCh38, 1-based): chr21:33,579,461, C>T on the plus strand (G>A on the coding strand, the complement: DONSON is on the minus strand). VCF-style: chr21-33579461-C-T. GRCh37 (hg19) VCF-style: chr21-34951767-C-T.
Identifiers: ClinVar variation 1955419 (VCV001955419.5), dbSNP rs751836395, ClinGen allele CA10010311.
Genomic context (GRCh38, chr21:33,579,461, plus strand): 5'-CTCGTGTGGATACAGTACTGCAGAGAAAGATCCACTCTGTGAAGATTTGAGCAGCATGGT[C>T]AGTGAATGCAGAGAATGAGGCATGATAGGACCTGTAATCTCCAAACTAAATTGGTCTCTG-3'
Protein context (NP_060083.1, residues 474-494): GPIMPHSLHS[Leu484=]TMLLKSSQSG

ClinVar aggregate classification (germline): Uncertain significance (1 of 4 stars; one submission).

Allele frequency attached by ClinVar (database versions not stated): gnomAD exomes 0.00001; ExAC 0.00002.
gnomAD v4.1: 4 of 1,614,150 alleles (0.00025%); highest among the groups gnomAD compares: Admixed American, 0.0067%; no homozygotes.

Submission:

Labcorp Genetics (formerly Invitae), Labcorp
Classification: Uncertain significance. Last evaluated: 2022-04-13. Review status: criteria provided, single submitter. Criteria: Invitae Variant Classification Sherloc (09022015). Collection method: clinical testing. Allele origin: germline.
Comment: In summary, the available evidence is currently insufficient to determine the role of this variant in disease. Therefore, it has been classified as a Variant of Uncertain Significance. Algorithms developed to predict the effect of sequence changes on RNA splicing suggest that this variant may create or strengthen a splice site. This variant has not been reported in the literature in individuals affected with DONSON-related conditions. This variant is present in population databases (rs751836395, gnomAD 0.01%). This sequence change affects codon 484 of the DONSON mRNA. It is a 'silent' change, meaning that it does not change the encoded amino acid sequence of the DONSON protein.